The following is an entry in ClinVar:

NM_017617.5(NOTCH1):c.5631C>T (p.Arg1877=)

Gene: NOTCH1 (notch receptor 1; minus strand). Cytogenetic location: 9q34.3.
Variant type: single nucleotide variant.
Coding change: c.5631C>T on transcript NM_017617.5 (MANE Select); coding-DNA position 5631, C replaced by T.
Protein change: p.Arg1877=; no amino-acid change (arginine 1877 retained).
Molecular consequence: synonymous variant.
Genome position (GRCh38, 1-based): chr9:136,501,755, G>A on the plus strand (C>T on the coding strand, the complement: NOTCH1 is on the minus strand). VCF-style: chr9-136501755-G-A. GRCh37 (hg19) VCF-style: chr9-139396207-G-A.
Identifiers: ClinVar variation 696867 (VCV000696867.42), dbSNP rs35627681, ClinGen allele CA5340192.
Genomic context (GRCh38, chr9:136,501,755, plus strand): 5'-GAGAGGCAGGTGGGCCACGGGGCTAGGGAAGCCCTGGCTGCTGGCACCCTTACCAGGCCC[G>A]CGGACATTGACGTCCATGCAGTCGGCGTCAACCTCACCCTGGGGCGGTGTGGGGGCCATG-3'
Protein context (NP_060087.3, residues 1867-1887): VDADCMDVNV[Arg1877=]GPDGFTPLMI

ClinVar aggregate classification (germline): Likely benign. Review status: criteria provided, multiple submitters, no conflicts (2 of 4 stars). 8 submissions from 7 submitters: Likely benign (8). Last evaluated 2025-12-01.

Conditions:
Adams-Oliver syndrome 5 (AOS5). Identifiers: Orphanet 974, MedGen C4014970, MONDO:0014459, OMIM 616028.
Aortic valve disease 1 (AOVD1). Identifiers: MedGen C3887892, MONDO:0024523, OMIM 109730.
Familial thoracic aortic aneurysm and aortic dissection (TAAD). Also called: Thoracic aortic aneurysms and dissections. Identifiers: Orphanet 91387, MedGen C4707243, MONDO:0019625.

Allele frequency attached by ClinVar (database versions not stated): ExAC 0.00007; ESP Exome Variant Server 0.00008; TOPMed 0.00008; gnomAD exomes 0.00009; gnomAD 0.00010 and 0.00011; 1000 Genomes Project 30x 0.00016; 1000 Genomes Project 0.00020.
gnomAD v4.1: 169 of 1,611,616 alleles (0.01%); highest among the groups gnomAD compares: Middle Eastern, 0.072%; no homozygotes.

Submissions (8):

CeGaT Center for Human Genetics Tuebingen
Classification: Likely benign. Last evaluated: 2025-12-01. Review status: criteria provided, single submitter. Criteria: CeGaT Center For Human Genetics Tuebingen Variant Classification Criteria Version 2. Collection method: clinical testing. Allele origin: germline. Affected: yes. Observed: 2 variant alleles.
Comment: NOTCH1: BP4, BP7

Labcorp Genetics (formerly Invitae), Labcorp
Classification: Likely benign for Adams-Oliver syndrome 5. Last evaluated: 2025-11-10. Review status: criteria provided, single submitter. Criteria: Invitae Variant Classification Sherloc (09022015). Collection method: clinical testing. Allele origin: germline.

Blueprint Genetics
Classification: Likely benign. Last evaluated: 2023-12-11. Review status: criteria provided, single submitter. Criteria: ACMG Guidelines, 2015. Collection method: clinical testing. Allele origin: germline.

Genome-Nilou Lab
Classification: Likely benign for Adams-Oliver syndrome 5. Last evaluated: 2022-03-15. Review status: criteria provided, single submitter. Criteria: ACMG Guidelines, 2015. Collection method: clinical testing. Allele origin: germline. Affected: no.

Genome-Nilou Lab
Classification: Likely benign for Aortic valve disease 1. Last evaluated: 2022-03-15. Review status: criteria provided, single submitter. Criteria: ACMG Guidelines, 2015. Collection method: clinical testing. Allele origin: germline. Affected: no.

GeneDx
Classification: Likely benign. Last evaluated: 2021-01-14. Review status: criteria provided, single submitter. Criteria: GeneDx Variant Classification Process June 2021. Collection method: clinical testing. Allele origin: germline. Affected: yes.

Ambry Genetics
Classification: Likely benign for Familial thoracic aortic aneurysm and aortic dissection. Last evaluated: 2020-12-29. Review status: criteria provided, single submitter. Criteria: Ambry Variant Classification Scheme 2023. Collection method: clinical testing. Allele origin: germline.

CHEO Genetics Diagnostic Laboratory, Children's Hospital of Eastern Ontario
Classification: Likely benign for Familial thoracic aortic aneurysm and aortic dissection. Last evaluated: 2020-03-19. Review status: criteria provided, single submitter. Criteria: ACMG Guidelines, 2015. Collection method: clinical testing. Allele origin: germline.